The following is an entry in ClinVar:

ClinVar aggregate classification (germline): Uncertain significance (1 of 4 stars; one submission).

Submission:

GeneDx
Classification: Uncertain significance. Last evaluated: 2024-10-07. Review status: criteria provided, single submitter. Criteria: GeneDx Variant Classification Process June 2021. Collection method: clinical testing. Allele origin: germline. Affected: yes.
Comment: Not observed at significant frequency in large population cohorts (gnomAD); In silico analysis supports that this missense variant has a deleterious effect on protein structure/function; Has not been previously published as pathogenic or benign to our knowledge

NM_000834.5(GRIN2B):c.695G>C (p.Cys232Ser)

Gene: GRIN2B (glutamate ionotropic receptor NMDA type subunit 2B; minus strand). Cytogenetic location: 12p13.1.
Variant type: single nucleotide variant.
Coding change: c.695G>C on transcript NM_000834.5 (MANE Select); coding-DNA position 695, G replaced by C.
Protein change: p.Cys232Ser; replaces cysteine 232 with serine.
Molecular consequence: missense variant.
Genome position (GRCh38, 1-based): chr12:13,753,632, C>G on the plus strand (G>C on the coding strand, the complement: GRIN2B is on the minus strand). VCF-style: chr12-13753632-C-G. GRCh37 (hg19) VCF-style: chr12-13906566-C-G.
Other names: c.695G>C, p.Cys232Ser (NM_001413992.1, NM_001413993.1, NM_001413994.1 and 1 more transcripts); short protein forms C232S.
Identifiers: ClinVar variation 3776682 (VCV003776682.1).